The following is an entry in ClinVar:

NM_058179.4(PSAT1):c.82_83del (p.Glu28fs)

Gene: PSAT1 (phosphoserine aminotransferase 1; plus strand). Cytogenetic location: 9q21.2.
Variant type: Deletion.
Coding change: c.82_83del on transcript NM_058179.4 (MANE Select); coding-DNA positions 82 to 83, 2 bases deleted (GA; older notation c.82_83delGA).
Protein change: p.Glu28fs; shifts the reading frame from glutamic acid 28.
Molecular consequence: frameshift variant.
Genome position (GRCh38, 1-based): chr9:78,300,623-78,300,624, GA deleted. VCF-style (leftmost placement, unchanged base first): chr9-78300622-GGA-G. GRCh37 (hg19) VCF-style: chr9-80915538-GGA-G.
Other names: c.82_83del, p.Glu28fs (NM_021154.5); short protein forms E28fs.
Identifiers: ClinVar variation 2061743 (VCV002061743.5), dbSNP rs2489629517, ClinGen allele CA2549250667.

ClinVar aggregate classification (germline): Pathogenic/Likely pathogenic. Review status: criteria provided, multiple submitters, no conflicts (2 of 4 stars). 2 submissions from 2 submitters: Pathogenic (1); Likely pathogenic (1). Last evaluated 2022-09-30.

Conditions:
PSAT deficiency. Identifiers: Orphanet 284417, MedGen C1970253, MONDO:0012596, OMIM 610992.
Neu-Laxova syndrome 2. Identifiers: Orphanet 2671, Orphanet 583602, MedGen C4015019, MONDO:0014466, OMIM 616038.

Allele frequency attached by ClinVar (database versions not stated): gnomAD exomes 0.00001.

Submissions (2):

Labcorp Genetics (formerly Invitae), Labcorp
Classification: Pathogenic for Neu-Laxova syndrome 2. Last evaluated: 2022-09-30. Review status: criteria provided, single submitter. Criteria: Invitae Variant Classification Sherloc (09022015). Collection method: clinical testing. Allele origin: germline.
Comment: This variant has not been reported in the literature in individuals affected with PSAT1-related conditions. For these reasons, this variant has been classified as Pathogenic. This variant is not present in population databases (gnomAD no frequency). This sequence change creates a premature translational stop signal (p.Glu28Ilefs*10) in the PSAT1 gene. It is expected to result in an absent or disrupted protein product. Loss-of-function variants in PSAT1 are known to be pathogenic (PMID: 17436247, 25152457).

Department of Pathology and Laboratory Medicine, Sinai Health System
Classification: Likely pathogenic for PSAT deficiency; Neu-Laxova syndrome 2. Last evaluated: 2022-06-28. Review status: criteria provided, single submitter. Criteria: ACMG Guidelines, 2015. Collection method: research. Allele origin: germline.

Literature cited by the submitters: PubMed 17436247 (cited by Labcorp Genetics (formerly Invitae), Labcorp); PubMed 25152457 (cited by Labcorp Genetics (formerly Invitae), Labcorp).